The following is an entry in ClinVar:

ClinVar aggregate classification (germline): Pathogenic (1 of 4 stars; one submission).

Submission:

Labcorp Genetics (formerly Invitae), Labcorp
Classification: Pathogenic. Last evaluated: 2024-11-05. Review status: criteria provided, single submitter. Criteria: Invitae Variant Classification Sherloc (09022015). Collection method: clinical testing. Allele origin: germline.
Comment: This sequence change affects an acceptor splice site in intron 50 of the ADGRV1 gene. It is expected to disrupt RNA splicing. Variants that disrupt the donor or acceptor splice site typically lead to a loss of protein function (PMID: 16199547), and loss-of-function variants in ADGRV1 are known to be pathogenic (PMID: 19357117, 22135276, 22147658, 26226137, 30718709, 31047384, 32467589). This variant is not present in population databases (gnomAD no frequency). Disruption of this splice site has been observed in individual(s) with deafness (internal data). In at least one individual the data is consistent with being in trans (on the opposite chromosome) from a pathogenic variant. ClinVar contains an entry for this variant (Variation ID: 1456252). Algorithms developed to predict the effect of sequence changes on RNA splicing suggest that this variant may disrupt the consensus splice site. For these reasons, this variant has been classified as Pathogenic.

Literature cited by the submitters: PubMed 16199547; PubMed 19357117; PubMed 22135276; PubMed 22147658; PubMed 26226137; PubMed 30718709; PubMed 31047384; PubMed 32467589.

NM_032119.4(ADGRV1):c.10550-1G>A

Gene: ADGRV1 (adhesion G protein-coupled receptor V1; plus strand). Cytogenetic location: 5q14.3.
Variant type: single nucleotide variant.
Coding change: c.10550-1G>A on transcript NM_032119.4 (MANE Select); the canonical splice acceptor site of the intron before coding-DNA position 10550, G replaced by A.
Molecular consequence: splice acceptor variant.
Genome position (GRCh38, 1-based): chr5:90,745,045, G>A. VCF-style: chr5-90745045-G-A. GRCh37 (hg19) VCF-style: chr5-90040862-G-A.
Identifiers: ClinVar variation 1456252 (VCV001456252.6), dbSNP rs2149910851, ClinGen allele CA360407371.